The following is an entry in ClinVar:

NM_020461.4(TUBGCP6):c.4609G>A (p.Asp1537Asn)

Gene: TUBGCP6 (tubulin gamma complex component 6; minus strand). Cytogenetic location: 22q13.33.
Variant type: single nucleotide variant.
Coding change: c.4609G>A on transcript NM_020461.4 (MANE Select); coding-DNA position 4609, G replaced by A.
Protein change: p.Asp1537Asn; replaces aspartic acid 1537 with asparagine.
Molecular consequence: missense variant.
Genome position (GRCh38, 1-based): chr22:50,219,085, C>T on the plus strand (G>A on the coding strand, the complement: TUBGCP6 is on the minus strand). VCF-style: chr22-50219085-C-T. GRCh37 (hg19) VCF-style: chr22-50657514-C-T.
Other names: short protein forms D1537N.
Identifiers: ClinVar variation 1939508 (VCV001939508.5), dbSNP rs762215407, ClinGen allele CA10307429.

ClinVar aggregate classification (germline): Uncertain significance (1 of 4 stars; one submission).

Allele frequency attached by ClinVar (database versions not stated): ExAC 0.00001; gnomAD 0.00003.
gnomAD v4.1: 10 of 1,612,390 alleles (0.00062%); highest among the groups gnomAD compares: Non-Finnish European, 0.00068%; no homozygotes.

Submission:

Labcorp Genetics (formerly Invitae), Labcorp
Classification: Uncertain significance. Last evaluated: 2022-11-01. Review status: criteria provided, single submitter. Criteria: Invitae Variant Classification Sherloc (09022015). Collection method: clinical testing. Allele origin: germline.
Comment: This sequence change replaces aspartic acid, which is acidic and polar, with asparagine, which is neutral and polar, at codon 1537 of the TUBGCP6 protein (p.Asp1537Asn). This variant is present in population databases (rs762215407, gnomAD 0.0008%). This variant has not been reported in the literature in individuals affected with TUBGCP6-related conditions. Algorithms developed to predict the effect of missense changes on protein structure and function are either unavailable or do not agree on the potential impact of this missense change (SIFT: "Tolerated"; PolyPhen-2: "Probably Damaging"; Align-GVGD: "Class C0"). In summary, the available evidence is currently insufficient to determine the role of this variant in disease. Therefore, it has been classified as a Variant of Uncertain Significance.